The following is an entry in ClinVar:

ClinVar aggregate classification (germline): Uncertain significance (1 of 4 stars; one submission).

Conditions:
Arrhythmogenic right ventricular dysplasia 5. Also called: Arrhythmogenic Right Ventricular Dysplasia/Cardiomyopathy 5; ARRHYTHMOGENIC RIGHT VENTRICULAR DYSPLASIA, FAMILIAL, 5. Identifiers: MedGen C1858379, MONDO:0011459, OMIM 604400.

Submission:

All of Us Research Program, National Institutes of Health
Classification: Uncertain significance for Arrhythmogenic right ventricular dysplasia 5. Last evaluated: 2024-04-25. Review status: criteria provided, single submitter. Criteria: ACMG Guidelines, 2015. Collection method: clinical testing. Allele origin: germline. Inheritance: Autosomal dominant inheritance. Observed: 1 variant allele, 1 heterozygote.
Comment: This missense variant replaces aspartic acid with alanine at codon 254 of the TMEM43 protein. Computational prediction suggests that this variant may not impact protein structure and function (internally defined REVEL score threshold <= 0.5, PMID: 27666373). To our knowledge, functional studies have not been reported for this variant. This variant has not been reported in individuals affected with TMEM43-related disorders in the literature. This variant has not been identified in the general population by the Genome Aggregation Database (gnomAD). The available evidence is insufficient to determine the role of this variant in disease conclusively. Therefore, this variant is classified as a Variant of Uncertain Significance.

This study involves interpretation of variants in research participants for the purpose of population health screening. Participant phenotype was not available at the time of variant classification. Additional details can be found in publication PMID: 35346344, PMCID: PMC8962531

NM_024334.3(TMEM43):c.761A>C (p.Asp254Ala)

Gene: TMEM43 (transmembrane protein 43; plus strand). Cytogenetic location: 3p25.1.
Variant type: single nucleotide variant.
Coding change: c.761A>C on transcript NM_024334.3 (MANE Select); coding-DNA position 761, A replaced by C.
Protein change: p.Asp254Ala; replaces aspartic acid 254 with alanine.
Molecular consequence: missense variant. On other transcripts: intron variant (1).
Genome position (GRCh38, 1-based): chr3:14,135,213, A>C. VCF-style: chr3-14135213-A-C. GRCh37 (hg19) VCF-style: chr3-14176713-A-C.
Other names: c.764A>C, p.Asp255Ala (NM_001407274.1); c.761A>C, p.Asp254Ala (NM_001407275.1, NM_001407276.1, NM_001407277.1); c.746A>C, p.Asp249Ala (NM_001407278.1); c.611A>C, p.Asp204Ala (NM_001407280.1); c.705+322A>C (NM_001407279.1); short protein forms D204A, D249A, D254A, D255A.
Identifiers: ClinVar variation 3386084 (VCV003386084.1).